The following is an entry in ClinVar:

NM_000038.6(APC):c.302G>C (p.Gly101Ala)

Gene: APC (APC regulator of Wnt signaling pathway; plus strand). Cytogenetic location: 5q22.2.
Variant type: single nucleotide variant.
Coding change: c.302G>C on transcript NM_000038.6 (MANE Select); coding-DNA position 302, G replaced by C.
Protein change: p.Gly101Ala; replaces glycine 101 with alanine.
Molecular consequence: missense variant. On other transcripts: 5 prime UTR variant (1).
Genome position (GRCh38, 1-based): chr5:112,767,270, G>C. VCF-style: chr5-112767270-G-C. GRCh37 (hg19) VCF-style: chr5-112102967-G-C.
Other names: c.302G>C, p.Gly101Ala (NM_001127510.3, NM_001354895.2, NM_001354896.2 and 2 more transcripts); c.332G>C, p.Gly111Ala (NM_001127511.3, NM_001354897.2, NM_001354902.2); c.227G>C, p.Gly76Ala (NM_001354898.2, NM_001354904.2); c.125G>C, p.Gly42Ala (NM_001354900.2, NM_001354901.2, NM_001354905.2); c.-734G>C (NM_001354906.2); short protein forms G111A, G76A, G42A, G101A.
Identifiers: ClinVar variation 822659 (VCV000822659.15), dbSNP rs954713888, ClinGen allele CA16021989.

ClinVar aggregate classification (germline): Uncertain significance. Review status: criteria provided, multiple submitters, no conflicts (2 of 4 stars). 2 submissions from 2 submitters: Uncertain significance (2). Last evaluated 2024-05-31.

Conditions:
Hereditary cancer-predisposing syndrome. Also called: Tumor predisposition; Hereditary Cancer Syndrome; Neoplastic Syndromes, Hereditary; Hereditary neoplastic syndrome. Identifiers: Orphanet 140162, MedGen C0027672, MeSH D009386, MONDO:0015356.
Familial adenomatous polyposis 1 (FAP1). Also called: FAMILIAL ADENOMATOUS POLYPOSIS 1, ATTENUATED; POLYPOSIS, ADENOMATOUS INTESTINAL. Identifiers: MedGen C2713442, MONDO:0021056, OMIM 175100. Disease mechanism: loss of function.

Submissions (2):

Labcorp Genetics (formerly Invitae), Labcorp
Classification: Uncertain significance for Familial adenomatous polyposis 1. Last evaluated: 2024-05-31. Review status: criteria provided, single submitter. Criteria: Invitae Variant Classification Sherloc (09022015). Collection method: clinical testing. Allele origin: germline.
Comment: This sequence change replaces glycine, which is neutral and non-polar, with alanine, which is neutral and non-polar, at codon 101 of the APC protein (p.Gly101Ala). This variant is not present in population databases (gnomAD no frequency). This missense change has been observed in individual(s) with breast cancer (PMID: 35264596). ClinVar contains an entry for this variant (Variation ID: 822659). Advanced modeling of protein sequence and biophysical properties (such as structural, functional, and spatial information, amino acid conservation, physicochemical variation, residue mobility, and thermodynamic stability) performed at Invitae indicates that this missense variant is not expected to disrupt APC protein function with a negative predictive value of 95%. In summary, the available evidence is currently insufficient to determine the role of this variant in disease. Therefore, it has been classified as a Variant of Uncertain Significance.

Ambry Genetics
Classification: Uncertain significance for Hereditary cancer-predisposing syndrome. Last evaluated: 2019-01-18. Review status: criteria provided, single submitter. Criteria: Ambry Variant Classification Scheme 2023. Collection method: clinical testing. Allele origin: germline.
Comment: The p.G101A variant (also known as c.302G>C), located in coding exon 3 of the APC gene, results from a G to C substitution at nucleotide position 302. The glycine at codon 101 is replaced by alanine, an amino acid with similar properties. This amino acid position is highly conserved in available vertebrate species. In addition, in silico predictors for this gene do not accurately predict pathogenicity. Since supporting evidence is limited at this time, the clinical significance of this alteration remains unclear.

Literature cited by the submitters: PubMed 35264596 (cited by Labcorp Genetics (formerly Invitae), Labcorp).